The following is an entry in ClinVar:

ClinVar aggregate classification (germline): Uncertain significance. Review status: criteria provided, multiple submitters, no conflicts (2 of 4 stars). 2 submissions from 2 submitters: Uncertain significance (2). Last evaluated 2025-12-31.

Allele frequency attached by ClinVar (database versions not stated): ESP Exome Variant Server 0.00008; ExAC 0.00010; gnomAD 0.00013; TOPMed 0.00021.

Submissions (2):

Labcorp Genetics (formerly Invitae), Labcorp
Classification: Uncertain significance. Last evaluated: 2025-12-31. Review status: criteria provided, single submitter. Criteria: Invitae Variant Classification Sherloc (09022015). Collection method: clinical testing. Allele origin: germline.
Comment: This sequence change replaces isoleucine, which is neutral and non-polar, with methionine, which is neutral and non-polar, at codon 1990 of the DSCAML1 protein (p.Ile1990Met). This variant is present in population databases (rs200876188, gnomAD 0.02%). This variant has not been reported in the literature in individuals affected with DSCAML1-related conditions. ClinVar contains an entry for this variant (Variation ID: 2062615). An algorithm developed to predict the effect of missense changes on protein structure and function outputs the following: PolyPhen-2: "Benign". The methionine amino acid residue is found in multiple mammalian species, which suggests that this missense change does not adversely affect protein function. In summary, the available evidence is currently insufficient to determine the role of this variant in disease. Therefore, it has been classified as a Variant of Uncertain Significance.

Ambry Genetics
Classification: Uncertain significance. Last evaluated: 2025-04-28. Review status: criteria provided, single submitter. Criteria: Ambry Variant Classification Scheme 2023. Collection method: clinical testing. Allele origin: germline.

NM_020693.4(DSCAML1):c.5790C>G (p.Ile1930Met)

Gene: DSCAML1 (DS cell adhesion molecule like 1; minus strand). Cytogenetic location: 11q23.3.
Variant type: single nucleotide variant.
Coding change: c.5790C>G on transcript NM_020693.4 (MANE Select); coding-DNA position 5790, C replaced by G.
Protein change: p.Ile1930Met; replaces isoleucine 1930 with methionine.
Molecular consequence: missense variant.
Genome position (GRCh38, 1-based): chr11:117,428,700, G>C on the plus strand (C>G on the coding strand, the complement: DSCAML1 is on the minus strand). VCF-style: chr11-117428700-G-C. GRCh37 (hg19) VCF-style: chr11-117299416-G-C.
Other names: c.5970C>G (NM_020693.2); short protein forms I1930M.
Identifiers: ClinVar variation 2062615 (VCV002062615.7), dbSNP rs200876188, ClinGen allele CA6295967.